The following is an entry in ClinVar:

ClinVar aggregate classification (germline): Uncertain significance (1 of 4 stars; one submission).

Conditions:
Epileptic encephalopathy. Identifiers: MedGen C0543888, HP:0200134.

Allele frequency attached by ClinVar (database versions not stated): gnomAD exomes below 0.00001.

Submission:

Labcorp Genetics (formerly Invitae), Labcorp
Classification: Uncertain significance for Epileptic encephalopathy. Last evaluated: 2023-09-05. Review status: criteria provided, single submitter. Criteria: Invitae Variant Classification Sherloc (09022015). Collection method: clinical testing. Allele origin: germline.
Comment: This variant is not present in population databases (gnomAD no frequency). This variant has not been reported in the literature in individuals affected with FASN-related conditions. An algorithm developed to predict the effect of missense changes on protein structure and function (PolyPhen-2) suggests that this variant is likely to be tolerated. In summary, the available evidence is currently insufficient to determine the role of this variant in disease. Therefore, it has been classified as a Variant of Uncertain Significance. This sequence change replaces threonine, which is neutral and polar, with isoleucine, which is neutral and non-polar, at codon 463 of the FASN protein (p.Thr463Ile).

NM_004104.5(FASN):c.1388C>T (p.Thr463Ile)

Gene: FASN (fatty acid synthase; minus strand). Cytogenetic location: 17q25.3.
Variant type: single nucleotide variant.
Coding change: c.1388C>T on transcript NM_004104.5 (MANE Select); coding-DNA position 1388, C replaced by T.
Protein change: p.Thr463Ile; replaces threonine 463 with isoleucine.
Molecular consequence: missense variant.
Genome position (GRCh38, 1-based): chr17:82,091,326, G>A on the plus strand (C>T on the coding strand, the complement: FASN is on the minus strand). VCF-style: chr17-82091326-G-A. GRCh37 (hg19) VCF-style: chr17-80049202-G-A.
Other names: short protein forms T463I.
Identifiers: ClinVar variation 2758142 (VCV002758142.3), dbSNP rs2034202857, ClinGen allele CA401560548.